The following is an entry in ClinVar:

ClinVar aggregate classification (germline): Likely benign. Review status: criteria provided, multiple submitters, no conflicts (2 of 4 stars). 3 submissions from 3 submitters: Likely benign (2). 1 of the submissions does not count toward it. Last evaluated 2025-11-10.

Conditions:
Colorectal cancer, susceptibility to, 12 (CRCS12). Also called: COLORECTAL CANCER, SUSCEPTIBILITY TO, ON CHROMOSOME 12q24. Identifiers: Orphanet 220460, MedGen C3554460, MONDO:0014038, OMIM 615083.

Allele frequency attached by ClinVar (database versions not stated): gnomAD exomes 0.00001; gnomAD 0.00002 and 0.00003; TOPMed 0.00002; ExAC 0.00003; ESP Exome Variant Server 0.00008.
gnomAD v4.1: 11 of 1,612,742 alleles (0.00068%); highest among the groups gnomAD compares: South Asian, 0.0044%; no homozygotes.

Submissions (3):

Labcorp Genetics (formerly Invitae), Labcorp
Classification: Likely benign. Last evaluated: 2025-11-10. Review status: criteria provided, single submitter. Criteria: Invitae Variant Classification Sherloc (09022015). Collection method: clinical testing. Allele origin: germline.

GeneDx
Classification: Likely benign. Last evaluated: 2015-11-23. Review status: criteria provided, single submitter. Criteria: GeneDx Variant Classification (06012015). Collection method: clinical testing. Allele origin: germline. Affected: yes.
Comment: This variant is considered likely benign or benign based on one or more of the following criteria: it is a conservative change, it occurs at a poorly conserved position in the protein, it is predicted to be benign by multiple in silico algorithms, and/or has population frequency not consistent with disease.

Counsyl
Classification: Likely benign for Colorectal cancer, susceptibility to, 12. Last evaluated: 2018-05-07. Review status: no assertion criteria provided. Collection method: clinical testing. Allele origin: unknown. Not counted in ClinVar's aggregate classification.

NM_006231.4(POLE):c.1795-14C>T

Gene: POLE (DNA polymerase epsilon, catalytic subunit; minus strand). Cytogenetic location: 12q24.33.
Variant type: single nucleotide variant.
Coding change: c.1795-14C>T on transcript NM_006231.4 (MANE Select); 14 bases into the intron before coding-DNA position 1795, C replaced by T.
Molecular consequence: intron variant.
Genome position (GRCh38, 1-based): chr12:132,668,953, G>A on the plus strand (C>T on the coding strand, the complement: POLE is on the minus strand). VCF-style: chr12-132668953-G-A. GRCh37 (hg19) VCF-style: chr12-133245539-G-A.
Identifiers: ClinVar variation 381784 (VCV000381784.9), dbSNP rs369023182, ClinGen allele CA6893807.
Genomic context (GRCh38, chr12:132,668,953, plus strand): 5'-GGAACGTCCTTCAGGGAGGCAAGCTTGCTCTTAATCTCATCACACACCTGCAGAGAAAGC[G>A]AAACTCAGTAGAGGCTGGTGACCAAGCTTGCCTCGTGTGCAGTTCACCAACCCCTTTTAG-3'